The following is an entry in ClinVar:

ClinVar aggregate classification (germline): Uncertain significance (1 of 4 stars; one submission).

Submission:

Mayo Clinic Laboratories, Mayo Clinic
Classification: Uncertain significance. Last evaluated: 2024-02-27. Review status: criteria provided, single submitter. Criteria: ACMG Guidelines, 2015. Collection method: clinical testing. Allele origin: germline. Observed: 2 variant alleles.
Comment: BP4

NM_021023.6(CFHR3):c.649A>G (p.Ser217Gly)

Gene: CFHR3 (complement factor H related 3; plus strand). Cytogenetic location: 1q31.3.
Variant type: single nucleotide variant.
Coding change: c.649A>G on transcript NM_021023.6 (MANE Select); coding-DNA position 649, A replaced by G.
Protein change: p.Ser217Gly; replaces serine 217 with glycine.
Molecular consequence: missense variant.
Genome position (GRCh38, 1-based): chr1:196,790,080, A>G. VCF-style: chr1-196790080-A-G. GRCh37 (hg19) VCF-style: chr1-196759210-A-G.
Other names: p.Ser217Gly; c.466A>G, p.Ser156Gly (NM_001166624.2); short protein forms S156G, S217G.
Identifiers: ClinVar variation 3380326 (VCV003380326.1).